The following is an entry in ClinVar:

NM_003482.4(KMT2D):c.3737C>T (p.Thr1246Met)

Genes: KMT2D (lysine methyltransferase 2D; minus strand), LOC126861520 (CDK7 strongly-dependent group 2 enhancer GRCh37_chr12:49442744-49443943; plus strand). Cytogenetic location: 12q13.12.
Variant type: single nucleotide variant.
Coding change: c.3737C>T on transcript NM_003482.4 (MANE Select); coding-DNA position 3737, C replaced by T.
Protein change: p.Thr1246Met; replaces threonine 1246 with methionine.
Molecular consequence: missense variant.
Genome position (GRCh38, 1-based): chr12:49,049,851, G>A on the plus strand (C>T on the coding strand, the complement: KMT2D is on the minus strand). VCF-style: chr12-49049851-G-A. GRCh37 (hg19) VCF-style: chr12-49443634-G-A.
Other names: short protein forms T1246M.
Identifiers: ClinVar variation 309068 (VCV000309068.52), dbSNP rs112921115, ClinGen allele CA6547998.

ClinVar aggregate classification (germline): Benign/Likely benign. Review status: criteria provided, multiple submitters, no conflicts (2 of 4 stars). 8 submissions from 8 submitters: Benign (4); Likely benign (3). 1 of the submissions does not count toward it. Last evaluated 2026-03-01.

Conditions:
KMT2D-related disorder. Also called: KMT2D-Related Disorders.
Kabuki syndrome 1 (KABUK1). Also called: KMT2D-Related Kabuki Syndrome. Identifiers: Orphanet 2322, MedGen CN030661, MONDO:0007843, OMIM 147920.
Kabuki syndrome. Also called: NIIKAWA-KUROKI SYNDROME; Kabuki make-up syndrome. Identifiers: Orphanet 2322, MedGen C0796004, MONDO:0016512.

Allele frequency attached by ClinVar (database versions not stated): gnomAD 0.00072 and 0.00076; TOPMed 0.00081; ExAC 0.00097; ESP Exome Variant Server 0.00132.
gnomAD v4.1: 1,054 of 1,613,818 alleles (0.065%); highest among the groups gnomAD compares: Admixed American, 0.023%; 12 homozygotes.

Submissions (8):

CeGaT Center for Human Genetics Tuebingen
Classification: Likely benign. Last evaluated: 2026-03-01. Review status: criteria provided, single submitter. Criteria: CeGaT Center For Human Genetics Tuebingen Variant Classification Criteria Version 2. Collection method: clinical testing. Allele origin: germline. Affected: yes. Observed: 7 variant alleles.
Comment: KMT2D: BS1

Labcorp Genetics (formerly Invitae), Labcorp
Classification: Likely benign for Kabuki syndrome. Last evaluated: 2026-02-01. Review status: criteria provided, single submitter. Criteria: Invitae Variant Classification Sherloc (09022015). Collection method: clinical testing. Allele origin: germline.

Athena Diagnostics
Classification: Benign. Last evaluated: 2024-02-01. Review status: criteria provided, single submitter. Criteria: Athena Diagnostics Criteria. Collection method: clinical testing. Allele origin: unknown.

ARUP Laboratories, Molecular Genetics and Genomics, ARUP Laboratories
Classification: Benign for Kabuki syndrome 1. Last evaluated: 2021-09-03. Review status: criteria provided, single submitter. Criteria: ARUP Molecular Germline Variant Investigation Process 2021. Collection method: clinical testing. Allele origin: germline.

GeneDx
Classification: Benign. Last evaluated: 2018-12-21. Review status: criteria provided, single submitter. Criteria: GeneDx Variant Classification Process June 2021. Collection method: clinical testing. Allele origin: germline. Affected: yes.
Comment: This variant is associated with the following publications: (PMID: 30459467)

Genetic Services Laboratory, University of Chicago
Classification: Benign. Last evaluated: 2018-11-13. Review status: criteria provided, single submitter. Criteria: ACMG Guidelines, 2015. Collection method: clinical testing. Allele origin: germline. Affected: no.

Breakthrough Genomics
Classification: Likely benign. Review status: criteria provided, single submitter. Criteria: ACMG Guidelines, 2015. Collection method: not provided. Allele origin: germline. Inheritance: Autosomal dominant inheritance. Affected: yes.

PreventionGenetics, part of Exact Sciences
Classification: Benign for KMT2D-related condition. Last evaluated: 2019-07-10. Review status: no assertion criteria provided. Collection method: clinical testing. Allele origin: germline. Not counted in ClinVar's aggregate classification.
Comment: This variant is classified as benign based on ACMG/AMP sequence variant interpretation guidelines (Richards et al. 2015 PMID: 25741868, with internal and published modifications).

Literature cited by the submitters: PubMed 30459467 (cited by Athena Diagnostics).